The following is an entry in ClinVar:

ClinVar aggregate classification (germline): Uncertain significance (1 of 4 stars; one submission).

Conditions:
Generalized epilepsy-paroxysmal dyskinesia syndrome (PNKD3). Also called: Paroxysmal nonkinesigenic dyskinesia, 3, with or without generalized epilepsy; Generalized epilepsy and paroxysmal dyskinesia. Identifiers: Orphanet 79137, MedGen C5574945, MONDO:0012276, OMIM 609446.

gnomAD v4.1: 1 of 1,612,630 alleles (0.000062%); highest among the groups gnomAD compares: Non-Finnish European, 0.000085%; no homozygotes.

Submission:

Labcorp Genetics (formerly Invitae), Labcorp
Classification: Uncertain significance for Generalized epilepsy-paroxysmal dyskinesia syndrome. Last evaluated: 2024-09-30. Review status: criteria provided, single submitter. Criteria: Invitae Variant Classification Sherloc (09022015). Collection method: clinical testing. Allele origin: germline.
Comment: This sequence change replaces isoleucine, which is neutral and non-polar, with leucine, which is neutral and non-polar, at codon 941 of the KCNMA1 protein (p.Ile941Leu). This variant is not present in population databases (gnomAD no frequency). This variant has not been reported in the literature in individuals affected with KCNMA1-related conditions. Invitae Evidence Modeling of protein sequence and biophysical properties (such as structural, functional, and spatial information, amino acid conservation, physicochemical variation, residue mobility, and thermodynamic stability) indicates that this missense variant is not expected to disrupt KCNMA1 protein function with a negative predictive value of 80%. In summary, the available evidence is currently insufficient to determine the role of this variant in disease. Therefore, it has been classified as a Variant of Uncertain Significance.

NM_001161352.2(KCNMA1):c.2995A>C (p.Ile999Leu)

Genes: KCNMA1 (potassium calcium-activated channel subfamily M alpha 1; minus strand), KCNMA1-AS1 (KCNMA1 antisense RNA 1; plus strand). Cytogenetic location: 10q22.3.
Variant type: single nucleotide variant.
Coding change: c.2995A>C on transcript NM_001161352.2 (MANE Select); coding-DNA position 2995, A replaced by C.
Protein change: p.Ile999Leu; replaces isoleucine 999 with leucine.
Molecular consequence: missense variant.
Genome position (GRCh38, 1-based): chr10:76,914,957, T>G on the plus strand (A>C on the coding strand, the complement: KCNMA1 is on the minus strand). VCF-style: chr10-76914957-T-G. GRCh37 (hg19) VCF-style: chr10-78674715-T-G.
Other names: c.2833A>C, p.Ile945Leu (NM_001014797.3, NM_001322835.2, NM_001322837.2); c.2944A>C, p.Ile982Leu (NM_001161353.2); c.2671A>C, p.Ile891Leu (NM_001271518.2); c.2830A>C, p.Ile944Leu (NM_001271519.2, NM_001322829.2, NM_001322836.2); c.2842A>C, p.Ile948Leu (NM_001322830.2); c.2821A>C, p.Ile941Leu (NM_001322832.2, NM_001410940.1, NM_002247.4); c.2368A>C, p.Ile790Leu (NM_001322838.2); short protein forms I999L, I790L, I891L, I941L, I945L, I948L, I982L, I944L.
Identifiers: ClinVar variation 3675836 (VCV003675836.2).